The following is an entry in ClinVar:

NM_003673.4(TCAP):c.263T>A (p.Val88Glu)

Gene: TCAP (titin-cap; plus strand). Cytogenetic location: 17q12.
Variant type: single nucleotide variant.
Coding change: c.263T>A on transcript NM_003673.4 (MANE Select); coding-DNA position 263, T replaced by A.
Protein change: p.Val88Glu; replaces valine 88 with glutamic acid.
Molecular consequence: missense variant.
Genome position (GRCh38, 1-based): chr17:39,665,868, T>A. VCF-style: chr17-39665868-T-A. GRCh37 (hg19) VCF-style: chr17-37822121-T-A.
Other names: short protein forms V88E.
Identifiers: ClinVar variation 1794180 (VCV001794180.2), dbSNP rs2543739386, ClinGen allele CA399304658.

ClinVar aggregate classification (germline): Uncertain significance (1 of 4 stars; one submission).

Conditions:
Cardiovascular phenotype. Identifiers: MedGen CN230736.

Submission:

Ambry Genetics
Classification: Uncertain significance for Cardiovascular phenotype. Last evaluated: 2019-09-13. Review status: criteria provided, single submitter. Criteria: Ambry Variant Classification Scheme 2023. Collection method: clinical testing. Allele origin: germline.
Comment: The p.V88E variant (also known as c.263T>A), located in coding exon 2 of the TCAP gene, results from a T to A substitution at nucleotide position 263. The valine at codon 88 is replaced by glutamic acid, an amino acid with dissimilar properties. This amino acid position is not well conserved in available vertebrate species. In addition, this alteration is predicted to be tolerated by in silico analysis. Since supporting evidence is limited at this time, the clinical significance of this alteration remains unclear.